The following is an entry in ClinVar:

ClinVar aggregate classification (germline): Uncertain significance (1 of 4 stars; one submission).

Submission:

GeneDx
Classification: Uncertain significance. Last evaluated: 2014-05-08. Review status: criteria provided, single submitter. Criteria: GeneDx Variant Classification (06012015). Collection method: clinical testing. Allele origin: germline. Affected: yes.
Comment: p.Met977Ile (ATG>ATC): c.2931 G>C in exon 25 of the FBN1 gene (NM_000138.4)A variant of unknown significance has been identified in the FBN1 gene. The M977I variant has not been published as a mutation or reported as a benign polymorphism to our knowledge. The M977I variant was not observed in approximately 6,500 individuals of European and African American ancestry in the NHLBI Exome Sequencing Project, indicating it is not a common benign variant in these populations. This substitution occurs at a position that is highly conserved in mammals. Missense mutations in nearby residues (R974C, R976H, C980S, C980Y, and C981S) have been reported in association with Marfan syndrome, supporting the functional importance of this region of the protein. Nevertheless, the M977I variant is a conservative amino acid substitution, which is not likely to impact secondary protein structure as these residues share similar properties. Moreover, in silico analysis is inconsistent in its predictions as to whether or not the variant is damaging to the protein structure/function. Therefore, based on the currently available information, it is unclear whether this variant is a pathogenic mutation or a rare benign variant. The variant is found in TAAD panel(s).

NM_000138.5(FBN1):c.2931G>C (p.Met977Ile)

Gene: FBN1 (fibrillin 1; minus strand). Cytogenetic location: 15q21.1.
Variant type: single nucleotide variant.
Coding change: c.2931G>C on transcript NM_000138.5 (MANE Select); coding-DNA position 2931, G replaced by C.
Protein change: p.Met977Ile; replaces methionine 977 with isoleucine.
Molecular consequence: missense variant.
Genome position (GRCh38, 1-based): chr15:48,490,002, C>G on the plus strand (G>C on the coding strand, the complement: FBN1 is on the minus strand). VCF-style: chr15-48490002-C-G. GRCh37 (hg19) VCF-style: chr15-48782199-C-G.
Other names: p.M977I:ATG>ATC; short protein forms M977I.
Identifiers: ClinVar variation 200007 (VCV000200007.2), dbSNP rs759544189, ClinGen allele CA013558.